The following is an entry in ClinVar:

NM_000203.5(IDUA):c.1646_1647del (p.Gly549fs)

Gene: IDUA (alpha-L-iduronidase; plus strand). Cytogenetic location: 4p16.3.
Variant type: Deletion.
Coding change: c.1646_1647del on transcript NM_000203.5 (MANE Select); coding-DNA positions 1646 to 1647, 2 bases deleted (GG; older notation c.1646_1647delGG).
Protein change: p.Gly549fs; shifts the reading frame from glycine 549.
Molecular consequence: frameshift variant. On other transcripts: non-coding transcript variant (1).
Genome position (GRCh38, 1-based): chr4:1,003,466-1,003,467, GG deleted; deleting any 2 consecutive bases within chr4:1,003,465-1,003,467 gives the same sequence; the c. name uses the placement nearest the transcript's 3' end. VCF-style (leftmost placement, unchanged base first): chr4-1003464-CGG-C. GRCh37 (hg19) VCF-style: chr4-997252-CGG-C.
Other names: c.1250_1251del, p.Gly417fs (NM_001363576.1); short protein forms G549fs, G417fs.
Identifiers: ClinVar variation 2763515 (VCV002763515.3), dbSNP rs2534098627, ClinGen allele CA2697557059.

ClinVar aggregate classification (germline): Pathogenic (1 of 4 stars; one submission).

Conditions:
Mucopolysaccharidosis type 1. Also called: Mucopolysaccharidosis Type I; IDUA deficiency; MPS I. Identifiers: Orphanet 579, MedGen C0023786, MONDO:0001586.

Submission:

Labcorp Genetics (formerly Invitae), Labcorp
Classification: Pathogenic for Mucopolysaccharidosis type 1. Last evaluated: 2023-09-26. Review status: criteria provided, single submitter. Criteria: Invitae Variant Classification Sherloc (09022015). Collection method: clinical testing. Allele origin: germline.
Comment: This sequence change creates a premature translational stop signal (p.Gly549Alafs*22) in the IDUA gene. It is expected to result in an absent or disrupted protein product. Loss-of-function variants in IDUA are known to be pathogenic (PMID: 11735025, 21480867). This variant is not present in population databases (gnomAD no frequency). This variant has not been reported in the literature in individuals affected with IDUA-related conditions. Algorithms developed to predict the effect of sequence changes on RNA splicing suggest that this variant may create or strengthen a splice site. For these reasons, this variant has been classified as Pathogenic.

Literature cited by the submitters: PubMed 11735025; PubMed 21480867.